The following is an entry in ClinVar:

NM_006265.3(RAD21):c.673G>A (p.Asp225Asn)

Gene: RAD21 (RAD21 cohesin complex component; minus strand). Cytogenetic location: 8q24.11.
Variant type: single nucleotide variant.
Coding change: c.673G>A on transcript NM_006265.3 (MANE Select); coding-DNA position 673, G replaced by A.
Protein change: p.Asp225Asn; replaces aspartic acid 225 with asparagine.
Molecular consequence: missense variant.
Genome position (GRCh38, 1-based): chr8:116,857,282, C>T on the plus strand (G>A on the coding strand, the complement: RAD21 is on the minus strand). VCF-style: chr8-116857282-C-T. GRCh37 (hg19) VCF-style: chr8-117869521-C-T.
Other names: short protein forms D225N.
Identifiers: ClinVar variation 4874543 (VCV004874543.2).
Genomic context (GRCh38, chr8:116,857,282, plus strand): 5'-TAAAGAAATTCTGTTTATGCTGGAATAACCATCATTCCCACATACCTAATATTCCACCAT[C>T]ATTTCCTTCTCCAAAATTATCATCCTTATATTGATCTTCATATTCTAAATGGTTAATTTT-3'
Protein context (NP_006256.1, residues 215-235): YKDDNFGEGN[Asp225Asn]GGILDDKLIS

ClinVar aggregate classification (germline): Uncertain significance (1 of 4 stars; one submission).

Submission:

CeGaT Center for Human Genetics Tuebingen
Classification: Uncertain significance. Last evaluated: 2026-04-01. Review status: criteria provided, single submitter. Criteria: CeGaT Center For Human Genetics Tuebingen Variant Classification Criteria Version 2. Collection method: clinical testing. Allele origin: germline. Affected: yes. Observed: 1 variant allele.
Comment: RAD21: PM2